The following is an entry in ClinVar:

NM_001103.4(ACTN2):c.2465C>T (p.Thr822Met)

Gene: ACTN2 (actinin alpha 2; plus strand). Cytogenetic location: 1q43.
Variant type: single nucleotide variant.
Coding change: c.2465C>T on transcript NM_001103.4 (MANE Select); coding-DNA position 2465, C replaced by T.
Protein change: p.Thr822Met; replaces threonine 822 with methionine.
Molecular consequence: missense variant. On other transcripts: non-coding transcript variant (1).
Genome position (GRCh38, 1-based): chr1:236,761,112, C>T. VCF-style: chr1-236761112-C-T. GRCh37 (hg19) VCF-style: chr1-236924412-C-T.
Other names: c.2465C>T, p.Thr822Met (NM_001278343.2); c.1841C>T, p.Thr614Met (NM_001278344.2); c.1715C>T, p.Thr572Met (NM_001412150.1); short protein forms T572M, T614M, T822M.
Identifiers: ClinVar variation 2923562 (VCV002923562.3), dbSNP rs1572152018, ClinGen allele CA345391377.

ClinVar aggregate classification (germline): Uncertain significance (1 of 4 stars; one submission).

Conditions:
Primary familial hypertrophic cardiomyopathy (HCM). Identifiers: Orphanet 99739, MedGen C0949658, MeSH D024741, MONDO:0024573. Inheritance: Various modes of inheritance.
Dilated cardiomyopathy 1AA (CMD1AA). Also called: Cardiomyopathy, dilated, 1AA, with or without LVNC; CARDIOMYOPATHY, DILATED, 1AA, WITH OR WITHOUT LEFT VENTRICULAR NONCOMPACTION; CARDIOMYOPATHY, FAMILIAL HYPERTROPHIC, 23, WITH OR WITHOUT LEFT VENTRICULAR NONCOMPACTION. Identifiers: Orphanet 154, MedGen C2677338, MONDO:0012808, OMIM 612158.

Allele frequency attached by ClinVar (database versions not stated): TOPMed below 0.00001; gnomAD 0.00001.
gnomAD v4.1: 7 of 1,614,064 alleles (0.00043%); highest among the groups gnomAD compares: African/African-American, 0.0013%; no homozygotes.

Submission:

Labcorp Genetics (formerly Invitae), Labcorp
Classification: Uncertain significance for Primary familial hypertrophic cardiomyopathy; Dilated cardiomyopathy 1AA. Last evaluated: 2024-01-11. Review status: criteria provided, single submitter. Criteria: Invitae Variant Classification Sherloc (09022015). Collection method: clinical testing. Allele origin: germline.
Comment: This sequence change replaces threonine, which is neutral and polar, with methionine, which is neutral and non-polar, at codon 822 of the ACTN2 protein (p.Thr822Met). This variant is not present in population databases (gnomAD no frequency). This variant has not been reported in the literature in individuals affected with ACTN2-related conditions. An algorithm developed to predict the effect of missense changes on protein structure and function (PolyPhen-2) suggests that this variant is likely to be disruptive. In summary, the available evidence is currently insufficient to determine the role of this variant in disease. Therefore, it has been classified as a Variant of Uncertain Significance.